The following is an entry in ClinVar:

ClinVar aggregate classification (germline): Pathogenic/Likely pathogenic. Review status: criteria provided, multiple submitters, no conflicts (2 of 4 stars). 3 submissions from 3 submitters: Pathogenic (2); Likely pathogenic (1). Last evaluated 2026-04-01.

Conditions:
Leukocyte adhesion deficiency type II. Also called: CDG IIc; CONGENITAL DISORDER OF GLYCOSYLATION, TYPE IIc; Congenital disorder of glycosylation type 2C; CDG 2C; Leukocyte adhesion deficiency type 2; Rambam Hasharon syndrome. Identifiers: Orphanet 2968, Orphanet 99843, MedGen C0398739, MONDO:0009953, OMIM 266265.

Allele frequency attached by ClinVar (database versions not stated): gnomAD exomes below 0.00001; ExAC 0.00001; gnomAD 0.00001; TOPMed 0.00001.
gnomAD v4.1: 8 of 1,611,936 alleles (0.0005%); highest among the groups gnomAD compares: Non-Finnish European, 0.00068%; no homozygotes.

Submissions (3):

Women's Health and Genetics/Laboratory Corporation of America, LabCorp
Classification: Pathogenic for Leukocyte adhesion deficiency type II. Last evaluated: 2026-04-01. Review status: criteria provided, single submitter. Criteria: LabCorp Variant Classification Summary - May 2015. Collection method: clinical testing. Allele origin: germline.
Comment: Variant summary: SLC35C1 c.942C>G (p.Tyr314X) results in a premature termination codon in the last exon predicted to cause a truncation of the encoded protein, however, nonsense mediated decay is not expected to occur. The variant allele was found at a frequency of 4e-06 in 248694 control chromosomes. c.942C>G has been observed in individual(s) affected with Leukocyte adhesion deficiency type II (Starosta_2021, Klee_2021, Tahata_2021). These data indicate that the variant may be associated with disease. To our knowledge, no experimental evidence demonstrating an impact on protein function has been reported. At least one downstream variant has been observed in the literature with clinical and functional evidence (PMID: 16455955), providing evidence that the region altered by the variant is critical to protein function. The following publications have been ascertained in the context of this evaluation (PMID: 33413482, 33144682, 35338746).ClinVar contains an entry for this variant (Variation ID: 504285). Based on the evidence outlined above, the variant was classified as pathogenic.

Labcorp Genetics (formerly Invitae), Labcorp
Classification: Pathogenic for Leukocyte adhesion deficiency type II. Last evaluated: 2022-11-01. Review status: criteria provided, single submitter. Criteria: Invitae Variant Classification Sherloc (09022015). Collection method: clinical testing. Allele origin: germline.
Comment: This premature translational stop signal has been observed in individual(s) with congenital disorders of glycosylation (PMID: 33413482). This variant is present in population databases (rs766512058, gnomAD 0.0009%). This sequence change creates a premature translational stop signal (p.Tyr314*) in the SLC35C1 gene. While this is not anticipated to result in nonsense mediated decay, it is expected to disrupt the last 51 amino acid(s) of the SLC35C1 protein. ClinVar contains an entry for this variant (Variation ID: 504285). For these reasons, this variant has been classified as Pathogenic. This variant disrupts a region of the SLC35C1 protein in which other variant(s) (p.Lys322*) have been determined to be pathogenic (PMID: 16455955). This suggests that this is a clinically significant region of the protein, and that variants that disrupt it are likely to be disease-causing.

GeneDx
Classification: Likely pathogenic. Last evaluated: 2018-02-09. Review status: criteria provided, single submitter. Criteria: GeneDx Variant Classification (06012015). Collection method: clinical testing. Allele origin: germline. Affected: yes.
Comment: The Y314X variant in the SLC35C1 gene has not been reported previously as a pathogenic variant, nor as a benign variant, to our knowledge. This variant is predicted to cause loss of normal protein function through protein truncation. The Y314X variant is not observed at a significant frequency in large population cohorts (Lek et al., 2016). We interpret Y314X as a likely pathogenic variant.

Literature cited by the submitters: PubMed 33413482 (cited by Women's Health and Genetics/Laboratory Corporation of America, LabCorp and Labcorp Genetics (formerly Invitae), Labcorp); PubMed 33144682 (cited by Women's Health and Genetics/Laboratory Corporation of America, LabCorp); PubMed 35338746 (cited by Women's Health and Genetics/Laboratory Corporation of America, LabCorp); PubMed 16455955 (cited by Labcorp Genetics (formerly Invitae), Labcorp).

NM_018389.5(SLC35C1):c.942C>G (p.Tyr314Ter)

Gene: SLC35C1 (solute carrier family 35 member C1; plus strand). Cytogenetic location: 11p11.2.
Variant type: single nucleotide variant.
Coding change: c.942C>G on transcript NM_018389.5 (MANE Select); coding-DNA position 942, C replaced by G.
Protein change: p.Tyr314Ter; replaces tyrosine 314 with a stop codon.
Molecular consequence: nonsense.
Genome position (GRCh38, 1-based): chr11:45,811,182, C>G. VCF-style: chr11-45811182-C-G. GRCh37 (hg19) VCF-style: chr11-45832733-C-G.
Other names: c.903C>G, p.Tyr301Ter (NM_001145265.2, NM_001145266.2); short protein forms Y314*, Y301*.
Identifiers: ClinVar variation 504285 (VCV000504285.6), dbSNP rs766512058, ClinGen allele CA5958365.
Genomic context (GRCh38, chr11:45,811,182, plus strand): 5'-GACCCACAATGTGTCGGGCACGGCCAAGGCCTGTGCCCAGACAGTGCTGGCCGTGCTCTA[C>G]TACGAGGAGACCAAGAGCTTCCTCTGGTGGACGAGCAACATGATGGTGCTGGGCGGCTCC-3'